The following is an entry in ClinVar:

ClinVar aggregate classification (germline): Benign/Likely benign. Review status: criteria provided, multiple submitters, no conflicts (2 of 4 stars). 2 submissions from 2 submitters: Benign (1); Likely benign (1). Last evaluated 2025-11-01.

Conditions:
Diamond-Blackfan anemia 6 (DBA6). Also called: RPL5-Related Diamond-Blackfan Anemia. Identifiers: Orphanet 124, MedGen C2931850, MONDO:0012937, OMIM 612561.

Allele frequency attached by ClinVar (database versions not stated): 1000 Genomes Project 0.00080; 1000 Genomes Project 30x 0.00109; TOPMed 0.00117; ESP Exome Variant Server 0.00197.
gnomAD v4.1: 3,104 of 1,611,648 alleles (0.19%); highest among the groups gnomAD compares: Non-Finnish European, 0.22%; 11 homozygotes.

Submissions (2):

CeGaT Center for Human Genetics Tuebingen
Classification: Likely benign. Last evaluated: 2025-11-01. Review status: criteria provided, single submitter. Criteria: CeGaT Center For Human Genetics Tuebingen Variant Classification Criteria Version 2. Collection method: clinical testing. Allele origin: germline. Affected: yes. Observed: 5 variant alleles.
Comment: RPL5: BS1

Illumina Laboratory Services, Illumina
Classification: Benign for Diamond-Blackfan anemia 6. Last evaluated: 2018-01-12. Review status: criteria provided, single submitter. Criteria: ICSL Variant Classification Criteria 13 December 2019. Collection method: clinical testing. Allele origin: germline.
Comment: This variant was observed in the ICSL laboratory as part of a predisposition screen in an ostensibly healthy population. It had not been previously curated by ICSL or reported in the Human Gene Mutation Database (HGMD: prior to June 1st, 2018), and was therefore a candidate for classification through an automated scoring system. Utilizing variant allele frequency, disease prevalence and penetrance estimates, and inheritance mode, an automated score was calculated to assess if this variant is too frequent to cause the disease. Based on the score and internal cut-off values, a variant classified as benign is not then subjected to further curation. The score for this variant resulted in a classification of benign for this disease.

NM_000969.5(RPL5):c.-58G>T

Gene: RPL5 (ribosomal protein L5; plus strand). Cytogenetic location: 1p22.1.
Variant type: single nucleotide variant.
Coding change: c.-58G>T on transcript NM_000969.5 (MANE Select); 58 bases upstream of the start codon, G replaced by T.
Molecular consequence: 5 prime UTR variant. On other transcripts: non-coding transcript variant (1).
Genome position (GRCh38, 1-based): chr1:92,832,057, G>T. VCF-style: chr1-92832057-G-T. GRCh37 (hg19) VCF-style: chr1-93297614-G-T.
Other names: c.-58G>T (LRG_1155t1).
Identifiers: ClinVar variation 298198 (VCV000298198.29), dbSNP rs200437092, ClinGen allele CA10611687.